The following is an entry in ClinVar:

NM_000465.4(BARD1):c.1123A>G (p.Thr375Ala)

Gene: BARD1 (BRCA1 associated RING domain 1; minus strand). Cytogenetic location: 2q35.
Variant type: single nucleotide variant.
Coding change: c.1123A>G on transcript NM_000465.4 (MANE Select); coding-DNA position 1123, A replaced by G.
Protein change: p.Thr375Ala; replaces threonine 375 with alanine.
Molecular consequence: missense variant. On other transcripts: non-coding transcript variant (2), intron variant (3).
Genome position (GRCh38, 1-based): chr2:214,780,751, T>C on the plus strand (A>G on the coding strand, the complement: BARD1 is on the minus strand). VCF-style: chr2-214780751-T-C. GRCh37 (hg19) VCF-style: chr2-215645475-T-C.
Other names: c.1123A>G (NM_000465.2); c.1066A>G, p.Thr356Ala (NM_001282543.2); c.159-28196A>G (NM_001282548.2); c.215+16310A>G (NM_001282545.2); c.364+11546A>G (NM_001282549.2); short protein forms T356A, T375A.
Identifiers: ClinVar variation 951904 (VCV000951904.11), dbSNP rs1694959699, ClinGen allele CA350454012.
Genomic context (GRCh38, chr2:214,780,751, plus strand): 5'-GTGTACCTGGTGAAAGACTAATGAATTCATCGGACATGTTACTGTTTTTCCTCCCTGATG[T>C]ACCACCAACTTTACGTTTGCATGAAGGTGGTGAAGAACATTCAGGCAATGGTATATTTTC-3'
Protein context (NP_000456.2, residues 365-385): PPSCKRKVGG[Thr375Ala]SGRKNSNMSD

ClinVar aggregate classification (germline): Uncertain significance. Review status: criteria provided, multiple submitters, no conflicts (2 of 4 stars). 2 submissions from 2 submitters: Uncertain significance (2). Last evaluated 2025-06-06.

Conditions:
Hereditary cancer-predisposing syndrome. Also called: Tumor predisposition; Hereditary neoplastic syndrome; Neoplastic Syndromes, Hereditary; Hereditary Cancer Syndrome. Identifiers: Orphanet 140162, MedGen C0027672, MeSH D009386, MONDO:0015356.
Familial cancer of breast. Also called: BREAST CANCER, FAMILIAL; Hereditary breast cancer; hereditary breast carcinoma. Identifiers: Orphanet 227535, MedGen C0346153, MONDO:0016419, OMIM 114480. Disease mechanism: loss of function.

Allele frequency attached by ClinVar (database versions not stated): gnomAD exomes below 0.00001.
gnomAD v4.1: 3 of 1,614,090 alleles (0.00019%); highest among the groups gnomAD compares: East Asian, 0.0045%; no homozygotes.

Submissions (2):

Ambry Genetics
Classification: Uncertain significance for Hereditary cancer-predisposing syndrome. Last evaluated: 2025-06-06. Review status: criteria provided, single submitter. Criteria: Ambry Variant Classification Scheme 2023. Collection method: clinical testing. Allele origin: germline.
Comment: The p.T375A variant (also known as c.1123A>G), located in coding exon 4 of the BARD1 gene, results from an A to G substitution at nucleotide position 1123. The threonine at codon 375 is replaced by alanine, an amino acid with similar properties. This amino acid position is conserved. In addition, this alteration is predicted to be tolerated by in silico analysis. Based on the available evidence, the clinical significance of this variant remains unclear.

Labcorp Genetics (formerly Invitae), Labcorp
Classification: Uncertain significance for Familial cancer of breast. Last evaluated: 2025-01-23. Review status: criteria provided, single submitter. Criteria: Invitae Variant Classification Sherloc (09022015). Collection method: clinical testing. Allele origin: germline.
Comment: This sequence change replaces threonine, which is neutral and polar, with alanine, which is neutral and non-polar, at codon 375 of the BARD1 protein (p.Thr375Ala). This variant is not present in population databases (gnomAD no frequency). This variant has not been reported in the literature in individuals affected with BARD1-related conditions. ClinVar contains an entry for this variant (Variation ID: 951904). An algorithm developed to predict the effect of missense changes on protein structure and function (PolyPhen-2) suggests that this variant is likely to be tolerated. In summary, the available evidence is currently insufficient to determine the role of this variant in disease. Therefore, it has been classified as a Variant of Uncertain Significance.